The following is an entry in ClinVar:

ClinVar aggregate classification (germline): Uncertain significance. Review status: criteria provided, multiple submitters, no conflicts (2 of 4 stars). 3 submissions from 3 submitters: Uncertain significance (3). Last evaluated 2026-02-05.

Conditions:
Hereditary cancer-predisposing syndrome. Also called: Neoplastic Syndromes, Hereditary; Tumor predisposition; Hereditary Cancer Syndrome; Hereditary neoplastic syndrome. Identifiers: Orphanet 140162, MedGen C0027672, MeSH D009386, MONDO:0015356.
Mitochondrial complex II deficiency, nuclear type 1. Also called: SUCCINATE CoQ REDUCTASE DEFICIENCY. Identifiers: Orphanet 3208, MedGen C5700310, MONDO:0100294, OMIM 252011.
Pheochromocytoma/paraganglioma syndrome 5. Also called: Paragangliomas 5; SDHA-Related Hereditary Paraganglioma-Pheochromocytoma Syndrome. Identifiers: Orphanet 29072, MedGen C3279992, MONDO:0013602, OMIM 614165.

Submissions (3):

Ambry Genetics
Classification: Uncertain significance for Hereditary cancer-predisposing syndrome. Last evaluated: 2026-02-05. Review status: criteria provided, single submitter. Criteria: Ambry Variant Classification Scheme 2023. Collection method: clinical testing. Allele origin: germline.
Comment: The p.C438Y variant (also known as c.1313G>A), located in coding exon 10 of the SDHA gene, results from a G to A substitution at nucleotide position 1313. The cysteine at codon 438 is replaced by tyrosine, an amino acid with highly dissimilar properties. This amino acid position is highly conserved in available vertebrate species. In addition, this alteration is predicted to be deleterious by in silico analysis. Based on the available evidence, the clinical significance of this variant remains unclear.

Quest Diagnostics Nichols Institute San Juan Capistrano
Classification: Uncertain significance. Last evaluated: 2025-03-11. Review status: criteria provided, single submitter. Criteria: Quest Diagnostics criteria. Collection method: clinical testing. Allele origin: unknown.
Comment: The SDHA c.1313G>A (p.Cys438Tyr) variant has not been reported in individuals with SDHA-related conditions in the published literature. It also has not been reported in large, multi-ethnic general populations (Genome Aggregation Database). Analysis of this variant using bioinformatics tools for the prediction of the effect of amino acid changes on protein structure and function yielded conflicting predictions that this variant is benign or damaging. Based on the available information, we are unable to determine the clinical significance of this variant.

Labcorp Genetics (formerly Invitae), Labcorp
Classification: Uncertain significance for Pheochromocytoma/paraganglioma syndrome 5; Mitochondrial complex II deficiency, nuclear type 1. Last evaluated: 2024-03-26. Review status: criteria provided, single submitter. Criteria: Invitae Variant Classification Sherloc (09022015). Collection method: clinical testing. Allele origin: germline.
Comment: This sequence change replaces cysteine, which is neutral and slightly polar, with tyrosine, which is neutral and polar, at codon 438 of the SDHA protein (p.Cys438Tyr). This variant is not present in population databases (gnomAD no frequency). This variant has not been reported in the literature in individuals affected with SDHA-related conditions. Advanced modeling of protein sequence and biophysical properties (such as structural, functional, and spatial information, amino acid conservation, physicochemical variation, residue mobility, and thermodynamic stability) has been performed at Invitae for this missense variant, however the output from this modeling did not meet the statistical confidence thresholds required to predict the impact of this variant on SDHA protein function. In summary, the available evidence is currently insufficient to determine the role of this variant in disease. Therefore, it has been classified as a Variant of Uncertain Significance.

NM_004168.4(SDHA):c.1313G>A (p.Cys438Tyr)

Gene: SDHA (succinate dehydrogenase complex flavoprotein subunit A; plus strand). Cytogenetic location: 5p15.33.
Variant type: single nucleotide variant.
Coding change: c.1313G>A on transcript NM_004168.4 (MANE Select); coding-DNA position 1313, G replaced by A.
Protein change: p.Cys438Tyr; replaces cysteine 438 with tyrosine.
Molecular consequence: missense variant.
Genome position (GRCh38, 1-based): chr5:236,480, G>A. VCF-style: chr5-236480-G-A. GRCh37 (hg19) VCF-style: chr5-236595-G-A.
Other names: c.1313G>A (NM_004168.3, NM_004168.2); c.1169G>A, p.Cys390Tyr (NM_001294332.2); c.1313G>A, p.Cys438Tyr (NM_001330758.2); short protein forms C438Y, C390Y.
Identifiers: ClinVar variation 2940744 (VCV002940744.6), dbSNP rs1424809160, ClinGen allele CA359013905.
Genomic context (GRCh38, chr5:236,480, plus strand): 5'-TTCCACAGGTCCTGAGGCACGTGAATGGCCAGGATCAGATTGTGCCCGGCCTGTACGCCT[G>A]TGGGGAGGCCGCCTGTGCCTCGGTACATGGTGCCAACCGCCTCGGGGCAAACTCGCTCTT-3'
Protein context (NP_004159.2, residues 428-448): QDQIVPGLYA[Cys438Tyr]GEAACASVHG